The following is an entry in ClinVar:

NM_000059.4(BRCA2):c.6406_6407del (p.Leu2136fs)

Gene: BRCA2 (BRCA2 DNA repair associated; plus strand). Cytogenetic location: 13q13.1.
Variant type: Deletion.
Coding change: c.6406_6407del on transcript NM_000059.4 (MANE Select); coding-DNA positions 6406 to 6407, 2 bases deleted (TT; older notation c.6406_6407delTT).
Protein change: p.Leu2136fs; shifts the reading frame from leucine 2136.
Molecular consequence: frameshift variant.
Genome position (GRCh38, 1-based): chr13:32,340,761-32,340,762, TT deleted. VCF-style (leftmost placement, unchanged base first): chr13-32340760-CTT-C. GRCh37 (hg19) VCF-style: chr13-32914897-CTT-C.
Other names: c.6406_6407delTT (NM_000059.3); short protein forms L2136fs.
Identifiers: ClinVar variation 52084 (VCV000052084.10), dbSNP rs397507850, ClinGen allele CA024002.
Genomic context (GRCh38, chr13:32,340,760, plus strand): 5'-GCACTGTGTAAACTCAGAAATGGAAAAAACCTGCAGTAAAGAATTTAAATTATCAAATAA[CTT>C]AAATGTTGAAGGTGGTTCTTCAGAAAATAATCACTCTATTAAAGTTTCTCCATATCTCTC-3'

ClinVar aggregate classification (germline): Pathogenic. Review status: reviewed by expert panel (3 of 4 stars). 4 submissions from 4 submitters: Pathogenic (1). 3 of the submissions do not count toward it. Last evaluated 2017-12-15.

Conditions:
Hereditary breast ovarian cancer syndrome. Also called: Hereditary breast and ovarian cancer syndrome; Hereditary breast and ovarian cancer; Hereditary breast and ovarian cancer syndrome (HBOC); Breast and ovarian cancer; Hereditary breast and/or ovarian cancer syndrome; BRCA1- and BRCA2-Associated Hereditary Breast and Ovarian Cancer. Identifiers: Orphanet 145, MedGen C0677776, MeSH D061325, MONDO:0003582. Disease mechanism: loss of function.
Familial cancer of breast. Also called: BREAST CANCER, FAMILIAL; Hereditary breast cancer; hereditary breast carcinoma. Identifiers: Orphanet 227535, MedGen C0346153, MONDO:0016419, OMIM 114480. Disease mechanism: loss of function.
Breast-ovarian cancer, familial, susceptibility to, 2 (BROVCA2). Also called: BRCA2 Hereditary Breast and Ovarian Cancer. Identifiers: Orphanet 145, MedGen C2675520, MONDO:0012933, OMIM 612555. Disease mechanism: loss of function.

Submissions (4):

Evidence-based Network for the Interpretation of Germline Mutant Alleles (ENIGMA)
Classification: Pathogenic for Breast-ovarian cancer, familial, susceptibility to, 2. Last evaluated: 2017-12-15. Review status: reviewed by expert panel. Criteria: ENIGMA BRCA1/2 Classification Criteria (2017-06-29). Collection method: curation. Allele origin: germline. Study: ENIGMA.
Comment: Variant allele predicted to encode a truncated non-functional protein.

Labcorp Genetics (formerly Invitae), Labcorp
Classification: Pathogenic for Hereditary breast ovarian cancer syndrome. Last evaluated: 2021-09-15. Review status: criteria provided, single submitter. Criteria: Invitae Variant Classification Sherloc (09022015). Collection method: clinical testing. Allele origin: germline. Not counted in ClinVar's aggregate classification.
Comment: This variant is not present in population databases (ExAC no frequency). This sequence change creates a premature translational stop signal (p.Leu2136Lysfs*3) in the BRCA2 gene. It is expected to result in an absent or disrupted protein product. Loss-of-function variants in BRCA2 are known to be pathogenic (PMID: 20104584). This premature translational stop signal has been observed in individual(s) with breast cancer (PMID: 17333343, 28814288). ClinVar contains an entry for this variant (Variation ID: 52084). For these reasons, this variant has been classified as Pathogenic.

Department of Pathology and Laboratory Medicine, Sinai Health System
Classification: Pathogenic for Familial cancer of breast; Breast-ovarian cancer, familial, susceptibility to, 2. Last evaluated: 2020-09-08. Review status: criteria provided, single submitter. Criteria: ACMG Guidelines, 2015. Collection method: clinical testing. Allele origin: germline. Affected: yes. Not counted in ClinVar's aggregate classification.

ClinVar Staff, National Center for Biotechnology Information (NCBI)
No classification provided. Condition: Familial cancer of breast. Review status: no classification provided. Collection method: literature only. Allele origin: germline. Affected: yes. Not counted in ClinVar's aggregate classification.

Literature cited by the submitters: PubMed 20104584 (cited by Labcorp Genetics (formerly Invitae), Labcorp); PubMed 17333343 (cited by 3 submitters); PubMed 28814288 (cited by Labcorp Genetics (formerly Invitae), Labcorp).